The following is an entry in ClinVar:

ClinVar aggregate classification (germline): Uncertain significance. Review status: criteria provided, multiple submitters, no conflicts (2 of 4 stars). 2 submissions from 2 submitters: Uncertain significance (2). Last evaluated 2025-11-13.

Conditions:
Inborn genetic diseases. Identifiers: MedGen C0950123, MeSH D030342.
COL4A3-related disorder. Also called: COL4A3-Related Disorders; COL4A3-related condition.

gnomAD v4.1: 15 of 1,613,924 alleles (0.00093%); highest among the groups gnomAD compares: African/African-American, 0.0013%; no homozygotes.

Submissions (2):

Ambry Genetics
Classification: Uncertain significance for Inborn genetic diseases. Last evaluated: 2025-11-13. Review status: criteria provided, single submitter. Criteria: Ambry Variant Classification Scheme 2023. Collection method: clinical testing. Allele origin: germline.

PreventionGenetics, part of Exact Sciences
Classification: Uncertain significance for COL4A3-related condition. Last evaluated: 2025-02-28. Review status: criteria provided, single submitter. Criteria: ACMG Guidelines, 2015. Collection method: clinical testing. Allele origin: germline.
Comment: The COL4A3 c.2372G>A variant is predicted to result in the amino acid substitution p.Arg791Gln. To our knowledge, this variant has not been reported in the literature. This variant is reported in 0.0065% of alleles in individuals of European (Non-Finnish) descent in gnomAD. At this time, the clinical significance of this variant is uncertain due to the absence of conclusive functional and genetic evidence.

NM_000091.5(COL4A3):c.2372G>A (p.Arg791Gln)

Genes: COL4A3 (collagen type IV alpha 3 chain; plus strand), MFF-DT (MFF divergent transcript; minus strand). Cytogenetic location: 2q36.3.
Variant type: single nucleotide variant.
Coding change: c.2372G>A on transcript NM_000091.5 (MANE Select); coding-DNA position 2372, G replaced by A.
Protein change: p.Arg791Gln; replaces arginine 791 with glutamine.
Molecular consequence: missense variant.
Genome position (GRCh38, 1-based): chr2:227,280,588, G>A. VCF-style: chr2-227280588-G-A. GRCh37 (hg19) VCF-style: chr2-228145304-G-A.
Other names: short protein forms R791Q.
Identifiers: ClinVar variation 4616264 (VCV004616264.2).